The following is an entry in ClinVar:

ClinVar aggregate classification (germline): Uncertain significance. Review status: criteria provided, multiple submitters, no conflicts (2 of 4 stars). 4 submissions from 4 submitters: Uncertain significance (4). Last evaluated 2026-01-21.

Conditions:
FG syndrome (FGS). Identifiers: MedGen C0220769, MONDO:0002010.
Familial thoracic aortic aneurysm and aortic dissection (TAAD). Also called: Thoracic aortic aneurysms and dissections. Identifiers: Orphanet 91387, MedGen C4707243, MONDO:0019625.

Allele frequency attached by ClinVar (database versions not stated): gnomAD exomes 0.00001; ExAC 0.00001.

Submissions (4):

GeneDx
Classification: Uncertain significance. Last evaluated: 2026-01-21. Review status: criteria provided, single submitter. Criteria: GeneDx Variant Classification Process June 2021. Collection method: clinical testing. Allele origin: germline.
Comment: Has not been previously published as pathogenic or benign to our knowledge; Not observed at significant frequency in large population cohorts (gnomAD); In silico analysis supports that this missense variant has a deleterious effect on protein structure/function

Labcorp Genetics (formerly Invitae), Labcorp
Classification: Uncertain significance for FG syndrome. Last evaluated: 2025-10-13. Review status: criteria provided, single submitter. Criteria: Invitae Variant Classification Sherloc (09022015). Collection method: clinical testing. Allele origin: germline.
Comment: This sequence change replaces tyrosine, which is neutral and polar, with serine, which is neutral and polar, at codon 2006 of the MED12 protein (p.Tyr2006Ser). This variant is present in population databases (rs769232520, gnomAD 0.001%). This variant has not been reported in the literature in individuals affected with MED12-related conditions. ClinVar contains an entry for this variant (Variation ID: 435845). Invitae Evidence Modeling of protein sequence and biophysical properties (such as structural, functional, and spatial information, amino acid conservation, physicochemical variation, residue mobility, and thermodynamic stability) has been performed for this missense variant. However, the output from this modeling did not meet the statistical confidence thresholds required to predict the impact of this variant on MED12 protein function. In summary, the available evidence is currently insufficient to determine the role of this variant in disease. Therefore, it has been classified as a Variant of Uncertain Significance.

Ambry Genetics
Classification: Uncertain significance for Familial thoracic aortic aneurysm and aortic dissection. Last evaluated: 2023-09-26. Review status: criteria provided, single submitter. Criteria: Ambry Variant Classification Scheme 2023. Collection method: clinical testing. Allele origin: germline.
Comment: The c.6017A>C (p.Y2006S) alteration is located in coding exon 41 of the MED12 gene. This alteration results from an A to C substitution at nucleotide position 6017, causing the tyrosine (Y) at amino acid position 2006 to be replaced by a serine (S). Based on data from gnomAD, the C allele has an overall frequency of 0.001% (1/181773) total alleles studied. The highest observed frequency was 0.001% (1/81500) of European (non-Finnish) alleles. This amino acid position is well conserved in available vertebrate species. The in silico prediction for this alteration is inconclusive. Based on insufficient or conflicting evidence, the clinical significance of this alteration remains unclear.

Genetic Services Laboratory, University of Chicago
Classification: Uncertain significance. Last evaluated: 2016-10-11. Review status: criteria provided, single submitter. Criteria: ACMG Guidelines, 2015. Collection method: clinical testing. Allele origin: germline. Affected: no.

NM_005120.3(MED12):c.6017A>C (p.Tyr2006Ser)

Gene: MED12 (mediator complex subunit 12; plus strand). Cytogenetic location: Xq13.1.
Variant type: single nucleotide variant.
Coding change: c.6017A>C on transcript NM_005120.3 (MANE Select); coding-DNA position 6017, A replaced by C.
Protein change: p.Tyr2006Ser; replaces tyrosine 2006 with serine.
Molecular consequence: missense variant.
Genome position (GRCh38, 1-based): chrX:71,137,916, A>C. VCF-style: chrX-71137916-A-C. GRCh37 (hg19) VCF-style: chrX-70357766-A-C.
Other names: short protein forms Y2006S.
Identifiers: ClinVar variation 435845 (VCV000435845.59), dbSNP rs769232520, ClinGen allele CA10444859.